The following is an entry in ClinVar:

NM_178857.6(RP1L1):c.4594G>A (p.Ala1532Thr)

Gene: RP1L1 (RP1 like 1). Cytogenetic location: 8p23.1.
Variant type: single nucleotide variant.
Coding change: c.4594G>A on transcript NM_178857.6 (MANE Select); coding-DNA position 4594, G replaced by A.
Protein change: p.Ala1532Thr; replaces alanine 1532 with threonine.
Molecular consequence: missense variant.
Genome position (GRCh38, 1-based): chr8:10,609,504, C>T on the plus strand (G>A on the coding strand, the complement: RP1L1 is on the minus strand). VCF-style: chr8-10609504-C-T. GRCh37 (hg19) VCF-style: chr8-10467014-C-T.
Other names: short protein forms A1532T.
Identifiers: ClinVar variation 361273 (VCV000361273.9), dbSNP rs200131312, ClinGen allele CA4623966.

ClinVar aggregate classification (germline): Conflicting classifications of pathogenicity. Review status: criteria provided, conflicting classifications (1 of 4 stars). 5 submissions from 5 submitters: Uncertain significance (1); Benign (1); Likely benign (3). Last evaluated 2024-12-23.

Conditions:
Occult macular dystrophy (OCMD). Also called: OCCULT MACULAR DYSTROPHY, SUSCEPTIBILITY TO; OMD. Identifiers: Orphanet 247834, MedGen C3150833, MONDO:0013316, OMIM 613587, HP:0030636.
RP1L1-related disorder. Also called: RP1L1-related condition.

Allele frequency attached by ClinVar (database versions not stated): gnomAD exomes 0.00007 and 0.00014; ExAC 0.00009; gnomAD 0.00011 and 0.00012; TOPMed 0.00012.
gnomAD v4.1: 137 of 1,609,748 alleles (0.0085%); highest among the groups gnomAD compares: Admixed American, 0.0067%; no homozygotes.

Submissions (5):

PreventionGenetics, part of Exact Sciences
Classification: Likely benign for RP1L1-related condition. Last evaluated: 2024-12-23. Review status: criteria provided, single submitter. Criteria: ACMG Guidelines, 2015. Collection method: clinical testing. Allele origin: germline.
Comment: This variant is classified as likely benign based on ACMG/AMP sequence variant interpretation guidelines (Richards et al. 2015 PMID: 25741868, with internal and published modifications).

Blueprint Genetics
Classification: Benign. Last evaluated: 2024-08-05. Review status: criteria provided, single submitter. Criteria: ACMG Guidelines, 2015. Collection method: clinical testing. Allele origin: germline.

Revvity Omics, Revvity
Classification: Uncertain significance. Last evaluated: 2024-06-21. Review status: criteria provided, single submitter. Criteria: ACMG Guidelines, 2015. Collection method: clinical testing. Allele origin: germline.

Illumina Laboratory Services, Illumina
Classification: Likely benign for Occult macular dystrophy. Last evaluated: 2018-01-13. Review status: criteria provided, single submitter. Criteria: ICSL Variant Classification Criteria 13 December 2019. Collection method: clinical testing. Allele origin: germline.
Comment: This variant was observed in the ICSL laboratory as part of a predisposition screen in an ostensibly healthy population. It had not been previously curated by ICSL or reported in the Human Gene Mutation Database (HGMD: prior to June 1st, 2018), and was therefore a candidate for classification through an automated scoring system. Utilizing variant allele frequency, disease prevalence and penetrance estimates, and inheritance mode, an automated score was calculated to assess if this variant is too frequent to cause the disease. Based on the score and internal cut-off values, a variant classified as likely benign is not then subjected to further curation. The score for this variant resulted in a classification of likely benign for this disease.

Breakthrough Genomics
Classification: Likely benign. Review status: criteria provided, single submitter. Criteria: ACMG Guidelines, 2015. Collection method: not provided. Allele origin: germline. Inheritance: Autosomal recessive inheritance. Affected: yes.